The following is an entry in ClinVar:

NM_001134665.3(TRMT10A):c.231A>G (p.Gln77=)

Gene: TRMT10A (tRNA methyltransferase 10A; minus strand). Cytogenetic location: 4q23.
Variant type: single nucleotide variant.
Coding change: c.231A>G on transcript NM_001134665.3 (MANE Select); coding-DNA position 231, A replaced by G.
Protein change: p.Gln77=; no amino-acid change (glutamine 77 retained).
Molecular consequence: synonymous variant.
Genome position (GRCh38, 1-based): chr4:99,558,166, T>C on the plus strand (A>G on the coding strand, the complement: TRMT10A is on the minus strand). VCF-style: chr4-99558166-T-C. GRCh37 (hg19) VCF-style: chr4-100479323-T-C.
Other names: c.231A>G, p.Gln77= (NM_152292.5, NM_001134666.3, NM_001375880.1 and 2 more transcripts).
Identifiers: ClinVar variation 2654967 (VCV002654967.26), dbSNP rs1433658049, ClinGen allele CA440335393.
Genomic context (GRCh38, chr4:99,558,166, plus strand): 5'-AACAACATCTCTTCGAACACGTTTTCTGTCATGTCCATCTGAGTTTGGTTCCATTTGACA[T>C]TGTCGCTCTAATTTTTTCCTCTTGCGTTTTTCTTTTCGCTTTTGTCTAAAATTAGTAATT-3'
Protein context (NP_001128137.1, residues 67-87): EKRKRKKLER[Gln77=]CQMEPNSDGH

ClinVar aggregate classification (germline): Likely benign. Review status: criteria provided, multiple submitters, no conflicts (2 of 4 stars). 2 submissions from 2 submitters: Likely benign (2). Last evaluated 2025-10-01.

Allele frequency attached by ClinVar (database versions not stated): TOPMed below 0.00001.
gnomAD v4.1: 38 of 1,601,660 alleles (0.0024%); highest among the groups gnomAD compares: Non-Finnish European, 0.0029%; no homozygotes.

Submissions (2):

CeGaT Center for Human Genetics Tuebingen
Classification: Likely benign. Last evaluated: 2025-10-01. Review status: criteria provided, single submitter. Criteria: CeGaT Center For Human Genetics Tuebingen Variant Classification Criteria Version 2. Collection method: clinical testing. Allele origin: germline. Affected: yes. Observed: 2 variant alleles.
Comment: TRMT10A: BP4, BP7

Labcorp Genetics (formerly Invitae), Labcorp
Classification: Likely benign. Last evaluated: 2024-09-29. Review status: criteria provided, single submitter. Criteria: Invitae Variant Classification Sherloc (09022015). Collection method: clinical testing. Allele origin: germline.